The following is an entry in ClinVar:

NM_000234.3(LIG1):c.563T>A (p.Leu188Gln)

Gene: LIG1 (DNA ligase 1; minus strand). Cytogenetic location: 19q13.33.
Variant type: single nucleotide variant.
Coding change: c.563T>A on transcript NM_000234.3 (MANE Select); coding-DNA position 563, T replaced by A.
Protein change: p.Leu188Gln; replaces leucine 188 with glutamine.
Molecular consequence: missense variant. On other transcripts: non-coding transcript variant (6), intron variant (1).
Genome position (GRCh38, 1-based): chr19:48,151,243, A>T on the plus strand (T>A on the coding strand, the complement: LIG1 is on the minus strand). VCF-style: chr19-48151243-A-T. GRCh37 (hg19) VCF-style: chr19-48654500-A-T.
Other names: c.470T>A, p.Leu157Gln (NM_001289063.2); c.560T>A, p.Leu187Gln (NM_001320970.2); c.473T>A, p.Leu158Gln (NM_001320971.2); c.371-1033T>A (NM_001289064.2); short protein forms L158Q, L187Q, L157Q, L188Q.
Identifiers: ClinVar variation 1377619 (VCV001377619.8), dbSNP rs1337629627, ClinGen allele CA406655671.

ClinVar aggregate classification (germline): Uncertain significance (1 of 4 stars; one submission).

gnomAD v4.1: 4 of 1,612,206 alleles (0.00025%); highest among the groups gnomAD compares: South Asian, 0.0011%; no homozygotes.

Submission:

Labcorp Genetics (formerly Invitae), Labcorp
Classification: Uncertain significance. Last evaluated: 2020-11-17. Review status: criteria provided, single submitter. Criteria: Invitae Variant Classification Sherloc (09022015). Collection method: clinical testing. Allele origin: germline.
Comment: This sequence change replaces leucine with glutamine at codon 188 of the LIG1 protein (p.Leu188Gln). The leucine residue is weakly conserved and there is a moderate physicochemical difference between leucine and glutamine. This variant is not present in population databases (ExAC no frequency). This variant has not been reported in the literature in individuals with LIG1-related conditions. Algorithms developed to predict the effect of missense changes on protein structure and function output the following: SIFT: "Tolerated"; PolyPhen-2: "Benign"; Align-GVGD: "Class C0". The glutamine amino acid residue is found in multiple mammalian species, suggesting that this missense change does not adversely affect protein function. These predictions have not been confirmed by published functional studies and their clinical significance is uncertain. In summary, the available evidence is currently insufficient to determine the role of this variant in disease. Therefore, it has been classified as a Variant of Uncertain Significance.